The following is an entry in ClinVar:

ClinVar aggregate classification (germline): Likely benign (1 of 4 stars; one submission).

Submission:

Mayo Clinic Laboratories, Mayo Clinic
Classification: Likely benign. Last evaluated: 2025-06-03. Review status: criteria provided, single submitter. Criteria: ACMG Guidelines, 2015. Collection method: clinical testing. Allele origin: germline. Observed: 1 variant allele.
Comment: BP4, BP7

NM_213720.3(CHCHD10):c.75G>T (p.Ala25=)

Gene: CHCHD10 (coiled-coil-helix-coiled-coil-helix domain containing 10; minus strand). Cytogenetic location: 22q11.23.
Variant type: single nucleotide variant.
Coding change: c.75G>T on transcript NM_213720.3 (MANE Select); coding-DNA position 75, G replaced by T.
Protein change: p.Ala25=; no amino-acid change (alanine 25 retained).
Molecular consequence: synonymous variant.
Genome position (GRCh38, 1-based): chr22:23,767,560, C>A on the plus strand (G>T on the coding strand, the complement: CHCHD10 is on the minus strand). VCF-style: chr22-23767560-C-A. GRCh37 (hg19) VCF-style: chr22-24109747-C-A.
Other names: p.Ala25=; c.75G>T, p.Ala25= (NM_001301339.2).
Identifiers: ClinVar variation 4684473 (VCV004684473.1).